The following is an entry in ClinVar:

NM_003978.5(PSTPIP1):c.137+47G>C

Gene: PSTPIP1 (proline-serine-threonine phosphatase interacting protein 1; plus strand). Cytogenetic location: 15q24.3.
Variant type: single nucleotide variant.
Coding change: c.137+47G>C on transcript NM_003978.5 (MANE Select); 47 bases into the intron after coding-DNA position 137, G replaced by C.
Molecular consequence: intron variant.
Genome position (GRCh38, 1-based): chr15:77,018,295, G>C. VCF-style: chr15-77018295-G-C. GRCh37 (hg19) VCF-style: chr15-77310636-G-C.
Other names: c.332+47G>C (NM_001321137.1); c.110+47G>C (NM_001321136.2); c.137+47G>C (NM_001321135.2).
Identifiers: ClinVar variation 810900 (VCV000810900.15), dbSNP rs3812911, ClinGen allele CA7675711.

ClinVar aggregate classification (germline): Benign. Review status: criteria provided, multiple submitters, no conflicts (2 of 4 stars). 5 submissions from 5 submitters: Benign (5). Last evaluated 2023-11-12.

Conditions:
Pyogenic arthritis-pyoderma gangrenosum-acne syndrome (PAPA). Also called: PAPA SYNDROME; FAMILIAL RECURRENT ARTHRITIS. Identifiers: Orphanet 69126, MedGen C1858361, MONDO:0011462, OMIM 604416.

Allele frequency attached by ClinVar (database versions not stated): 1000 Genomes Project 30x 0.60400; 1000 Genomes Project 0.60603; TOPMed 0.67004; ESP Exome Variant Server 0.73024.
gnomAD v4.1: 1,199,126 of 1,549,088 alleles (77%); highest among the groups gnomAD compares: Middle Eastern, 86%; 470,944 homozygotes.

Submissions (5):

Unidad de Genómica Garrahan, Hospital de Pediatría Garrahan
Classification: Benign. Last evaluated: 2023-11-12. Review status: criteria provided, single submitter. Criteria: ACMG Guidelines, 2015. Collection method: clinical testing. Allele origin: germline. Affected: no. Observed: 61 variant alleles.
Comment: This variant is classified as Benign based on local population frequency. This variant was detected in 64% of patients studied by a panel of primary immunodeficiencies. Number of patients: 61. Only high quality variants are reported.

Genome-Nilou Lab
Classification: Benign for Pyogenic arthritis-pyoderma gangrenosum-acne syndrome. Last evaluated: 2021-10-25. Review status: criteria provided, single submitter. Criteria: ACMG Guidelines, 2015. Collection method: clinical testing. Allele origin: germline. Affected: no.

ARUP Laboratories, Molecular Genetics and Genomics, ARUP Laboratories
Classification: Benign for Pyogenic arthritis-pyoderma gangrenosum-acne syndrome. Last evaluated: 2018-07-03. Review status: criteria provided, single submitter. Criteria: ARUP Molecular Germline Variant Investigation Process. Collection method: clinical testing. Allele origin: germline.

GeneDx
Classification: Benign. Last evaluated: 2015-03-03. Review status: criteria provided, single submitter. Criteria: GeneDx Variant Classification Process June 2021. Collection method: clinical testing. Allele origin: germline. Affected: yes.

Breakthrough Genomics
Classification: Benign. Review status: criteria provided, single submitter. Criteria: ACMG Guidelines, 2015. Collection method: not provided. Allele origin: germline. Inheritance: Autosomal dominant inheritance. Affected: yes.